The following is an entry in ClinVar:

NM_015160.3(PMPCA):c.1338C>T (p.Phe446=)

Gene: PMPCA (peptidase, mitochondrial processing subunit alpha; plus strand). Cytogenetic location: 9q34.3.
Variant type: single nucleotide variant.
Coding change: c.1338C>T on transcript NM_015160.3 (MANE Select); coding-DNA position 1338, C replaced by T.
Protein change: p.Phe446=; no amino-acid change (phenylalanine 446 retained).
Molecular consequence: synonymous variant.
Genome position (GRCh38, 1-based): chr9:136,421,906, C>T. VCF-style: chr9-136421906-C-T. GRCh37 (hg19) VCF-style: chr9-139316358-C-T.
Other names: c.945C>T, p.Phe315= (NM_001282944.2); c.1038C>T, p.Phe346= (NM_001282946.2).
Identifiers: ClinVar variation 3050130 (VCV003050130.2), dbSNP rs756126685, ClinGen allele CA5336454.
Genomic context (GRCh38, chr9:136,421,906, plus strand): 5'-AGCCAAGACGCAGCTGACATCAATGCTCATGATGAACCTGGAATCCAGGCCTGTGATCTT[C>T]GAGGATGTGGGGAGGCAGGTGCTGGCCACTCGCTCCAGAAAGCTGCCGCACGAGCTGTGC-3'
Protein context (NP_055975.1, residues 436-456): MMNLESRPVI[Phe446=]EDVGRQVLAT

ClinVar aggregate classification (germline): Likely benign (0 of 4 stars; one submission).

Conditions:
PMPCA-related disorder. Also called: PMPCA-related condition.

Allele frequency attached by ClinVar (database versions not stated): ExAC 0.00001; gnomAD 0.00001; gnomAD exomes 0.00001; TOPMed 0.00002.
gnomAD v4.1: 18 of 1,611,940 alleles (0.0011%); highest among the groups gnomAD compares: East Asian, 0.0089%; no homozygotes.

Submission:

PreventionGenetics, part of Exact Sciences
Classification: Likely benign for PMPCA-related condition. Last evaluated: 2019-07-15. Review status: no assertion criteria provided. Collection method: clinical testing. Allele origin: germline.
Comment: This variant is classified as likely benign based on ACMG/AMP sequence variant interpretation guidelines (Richards et al. 2015 PMID: 25741868, with internal and published modifications).